The following is an entry in ClinVar:

ClinVar aggregate classification (germline): Benign/Likely benign. Review status: criteria provided, multiple submitters, no conflicts (2 of 4 stars). 2 submissions from 2 submitters: Benign (1); Likely benign (1). Last evaluated 2025-11-03.

Allele frequency attached by ClinVar (database versions not stated): gnomAD exomes 0.00018; ExAC 0.00050; gnomAD 0.00139; TOPMed 0.00166; ESP Exome Variant Server 0.00177; 1000 Genomes Project 0.00180; 1000 Genomes Project 30x 0.00187.
gnomAD v4.1: 476 of 1,610,010 alleles (0.03%); highest among the groups gnomAD compares: African/African-American, 0.51%; no homozygotes.

Submissions (2):

Labcorp Genetics (formerly Invitae), Labcorp
Classification: Benign. Last evaluated: 2025-11-03. Review status: criteria provided, single submitter. Criteria: Invitae Variant Classification Sherloc (09022015). Collection method: clinical testing. Allele origin: germline.

CeGaT Center for Human Genetics Tuebingen
Classification: Likely benign. Last evaluated: 2024-08-01. Review status: criteria provided, single submitter. Criteria: CeGaT Center For Human Genetics Tuebingen Variant Classification Criteria Version 2. Collection method: clinical testing. Allele origin: germline. Affected: yes. Observed: 1 variant allele.
Comment: CYP26B1: BP4, BP7

NM_019885.4(CYP26B1):c.1236C>T (p.Phe412=)

Gene: CYP26B1 (cytochrome P450 family 26 subfamily B member 1; minus strand). Cytogenetic location: 2p13.2.
Variant type: single nucleotide variant.
Coding change: c.1236C>T on transcript NM_019885.4 (MANE Select); coding-DNA position 1236, C replaced by T.
Protein change: p.Phe412=; no amino-acid change (phenylalanine 412 retained).
Molecular consequence: synonymous variant.
Genome position (GRCh38, 1-based): chr2:72,132,530, G>A on the plus strand (C>T on the coding strand, the complement: CYP26B1 is on the minus strand). VCF-style: chr2-72132530-G-A. GRCh37 (hg19) VCF-style: chr2-72359659-G-A.
Other names: c.1011C>T, p.Phe337= (NM_001277742.2).
Identifiers: ClinVar variation 2712166 (VCV002712166.19), dbSNP rs144952086, ClinGen allele CA1707802.